The following is an entry in ClinVar:

NM_006440.5(TXNRD2):c.8C>T (p.Ala3Val)

Genes: COMT (catechol-O-methyltransferase; plus strand), TXNRD2 (thioredoxin reductase 2; minus strand). Cytogenetic location: 22q11.21.
Variant type: single nucleotide variant.
Coding change: c.8C>T on transcript NM_006440.5 (MANE Select); coding-DNA position 8, C replaced by T.
Protein change: p.Ala3Val; replaces alanine 3 with valine.
Molecular consequence: missense variant. On other transcripts: non-coding transcript variant (1), 5 prime UTR variant (2).
Genome position (GRCh38, 1-based): chr22:19,941,796, G>A on the plus strand (C>T on the coding strand, the complement: TXNRD2 is on the minus strand). VCF-style: chr22-19941796-G-A. GRCh37 (hg19) VCF-style: chr22-19929319-G-A.
Other names: c.8C>T, p.Ala3Val (NM_001282512.3, NM_001352300.2); c.-193G>A (NM_000754.4); c.-487G>A (NM_001362828.2); short protein forms A3V.
Identifiers: ClinVar variation 2713883 (VCV002713883.3), dbSNP rs2517445051, ClinGen allele CA410700170.

ClinVar aggregate classification (germline): Uncertain significance (1 of 4 stars; one submission).

Conditions:
Primary dilated cardiomyopathy (DCM). Also called: Dilated Cardiomyopathy. Identifiers: Orphanet 217604, MedGen C0007193, MeSH D002311, MONDO:0005021, HP:0001644. Inheritance: Various modes of inheritance.

Allele frequency attached by ClinVar (database versions not stated): gnomAD exomes below 0.00001.
gnomAD v4.1: 2 of 1,535,004 alleles (0.00013%); highest among the groups gnomAD compares: Non-Finnish European, 0.000087%; no homozygotes.

Submission:

Labcorp Genetics (formerly Invitae), Labcorp
Classification: Uncertain significance for Primary dilated cardiomyopathy. Last evaluated: 2024-01-28. Review status: criteria provided, single submitter. Criteria: Invitae Variant Classification Sherloc (09022015). Collection method: clinical testing. Allele origin: germline.
Comment: This sequence change replaces alanine, which is neutral and non-polar, with valine, which is neutral and non-polar, at codon 3 of the TXNRD2 protein (p.Ala3Val). This variant is not present in population databases (gnomAD no frequency). This variant has not been reported in the literature in individuals affected with TXNRD2-related conditions. An algorithm developed to predict the effect of missense changes on protein structure and function (PolyPhen-2) suggests that this variant is likely to be disruptive. Algorithms developed to predict the effect of sequence changes on RNA splicing suggest that this variant may disrupt the consensus splice site. In summary, the available evidence is currently insufficient to determine the role of this variant in disease. Therefore, it has been classified as a Variant of Uncertain Significance.